The following is an entry in ClinVar:

ClinVar aggregate classification (germline): Likely benign. Review status: criteria provided, multiple submitters, no conflicts (2 of 4 stars). 4 submissions from 4 submitters: Likely benign (4). Last evaluated 2026-08-16.

Conditions:
Arrhythmogenic right ventricular cardiomyopathy (ARVD). Also called: Arrhythmogenic Right Ventricular Cardiomyopathy (ARVC); Arrhythmogenic cardiomyopathy; Cardiomyopathy, ARVC; Arrhythmogenic right ventricular dysplasia. Identifiers: Orphanet 247, MedGen C0349788, MeSH D019571, MONDO:0016587. Disease mechanism: loss of function. Inheritance: Various modes of inheritance.
Cardiomyopathy (CMYO). Also called: Cardiomyopathies. Identifiers: Orphanet 167848, MedGen C0878544, MONDO:0004994, HP:0001638. Inheritance: Various modes of inheritance.
Arrhythmogenic right ventricular dysplasia 9 (ARVD9). Also called: Arrhythmogenic Right Ventricular Dysplasia/Cardiomyopathy 9; ARRHYTHMOGENIC RIGHT VENTRICULAR DYSPLASIA, FAMILIAL, 9. Identifiers: MedGen C1836906, MONDO:0012180, OMIM 609040.
Cardiovascular phenotype. Identifiers: MedGen CN230736.

Allele frequency attached by ClinVar (database versions not stated): gnomAD exomes 0.00001 and below 0.00001; TOPMed 0.00001; ExAC 0.00001; gnomAD 0.00001; ESP Exome Variant Server 0.00008.
gnomAD v4.1: 4 of 1,614,002 alleles (0.00025%); highest among the groups gnomAD compares: Non-Finnish European, 0.00034%; no homozygotes.

Submissions (4):

Ambry Genetics
Classification: Likely benign for Cardiovascular phenotype. Last evaluated: 2026-08-16. Review status: criteria provided, single submitter. Criteria: Ambry Variant Classification Scheme 2023. Collection method: clinical testing. Allele origin: germline.

Labcorp Genetics (formerly Invitae), Labcorp
Classification: Likely benign for Arrhythmogenic right ventricular dysplasia 9. Last evaluated: 2025-09-20. Review status: criteria provided, single submitter. Criteria: Invitae Variant Classification Sherloc (09022015). Collection method: clinical testing. Allele origin: germline.

All of Us Research Program, National Institutes of Health
Classification: Likely benign for Arrhythmogenic right ventricular cardiomyopathy. Last evaluated: 2023-12-01. Review status: criteria provided, single submitter. Criteria: ACMG Guidelines, 2015. Collection method: clinical testing. Allele origin: germline. Inheritance: Autosomal dominant inheritance. Observed: 6 variant alleles, 6 heterozygotes.
Comment: This study involves interpretation of variants in research participants for the purpose of population health screening. Participant phenotype was not available at the time of variant classification. Additional details can be found in publication PMID: 35346344, PMCID: PMC8962531

Color Diagnostics, LLC DBA Color Health
Classification: Likely benign for Cardiomyopathy. Last evaluated: 2020-11-11. Review status: criteria provided, single submitter. Criteria: ACMG Guidelines, 2015. Collection method: clinical testing. Allele origin: germline.

NM_001005242.3(PKP2):c.2409G>A (p.Leu803=)

Gene: PKP2 (plakophilin 2; minus strand). Cytogenetic location: 12p11.21.
Variant type: single nucleotide variant.
Coding change: c.2409G>A on transcript NM_001005242.3 (MANE Select); coding-DNA position 2409, G replaced by A.
Protein change: p.Leu803=; no amino-acid change (leucine 803 retained).
Molecular consequence: synonymous variant.
Genome position (GRCh38, 1-based): chr12:32,792,680, C>T on the plus strand (G>A on the coding strand, the complement: PKP2 is on the minus strand). VCF-style: chr12-32792680-C-T. GRCh37 (hg19) VCF-style: chr12-32945614-C-T.
Other names: c.2541G>A, p.Leu847= (NM_004572.4).
Identifiers: ClinVar variation 1172117 (VCV001172117.12), dbSNP rs374689137, ClinGen allele CA035791.